The following is an entry in ClinVar:

NM_080680.3(COL11A2):c.437A>C (p.Asp146Ala)

Gene: COL11A2 (collagen type XI alpha 2 chain; minus strand). Cytogenetic location: 6p21.32.
Variant type: single nucleotide variant.
Coding change: c.437A>C on transcript NM_080680.3 (MANE Select); coding-DNA position 437, A replaced by C.
Protein change: p.Asp146Ala; replaces aspartic acid 146 with alanine.
Molecular consequence: missense variant. On other transcripts: 5 prime UTR variant (3), non-coding transcript variant (1).
Genome position (GRCh38, 1-based): chr6:33,188,984, T>G on the plus strand (A>C on the coding strand, the complement: COL11A2 is on the minus strand). VCF-style: chr6-33188984-T-G. GRCh37 (hg19) VCF-style: chr6-33156761-T-G.
Other names: c.437A>C (NM_080680.2); c.437A>C, p.Asp146Ala (NM_001163771.2, NM_001424108.1, NM_080679.3 and 1 more transcripts); c.-410A>C (NM_001424109.1, NM_001424110.1, NM_001424111.1); short protein forms D146A.
Identifiers: ClinVar variation 2785833 (VCV002785833.4), dbSNP rs2535547022, ClinGen allele CA363612128.

ClinVar aggregate classification (germline): Uncertain significance. Review status: criteria provided, multiple submitters, no conflicts (2 of 4 stars). 2 submissions from 2 submitters: Uncertain significance (2). Last evaluated 2024-01-04.

Conditions:
Inborn genetic diseases. Identifiers: MedGen C0950123, MeSH D030342.

gnomAD v4.1: 1 of 1,614,152 alleles (0.000062%); highest among the groups gnomAD compares: Admixed American, 0.0017%; no homozygotes.

Submissions (2):

Ambry Genetics
Classification: Uncertain significance for Inborn genetic diseases. Last evaluated: 2024-01-04. Review status: criteria provided, single submitter. Criteria: Ambry Variant Classification Scheme 2023. Collection method: clinical testing. Allele origin: germline.

Labcorp Genetics (formerly Invitae), Labcorp
Classification: Uncertain significance. Last evaluated: 2023-09-10. Review status: criteria provided, single submitter. Criteria: Invitae Variant Classification Sherloc (09022015). Collection method: clinical testing. Allele origin: germline.
Comment: Advanced modeling of protein sequence and biophysical properties (such as structural, functional, and spatial information, amino acid conservation, physicochemical variation, residue mobility, and thermodynamic stability) performed at Invitae indicates that this missense variant is not expected to disrupt COL11A2 protein function. In summary, the available evidence is currently insufficient to determine the role of this variant in disease. Therefore, it has been classified as a Variant of Uncertain Significance. This variant has not been reported in the literature in individuals affected with COL11A2-related conditions. This variant is not present in population databases (gnomAD no frequency). This sequence change replaces aspartic acid, which is acidic and polar, with alanine, which is neutral and non-polar, at codon 146 of the COL11A2 protein (p.Asp146Ala).